The following is an entry in ClinVar:

ClinVar aggregate classification (germline): Pathogenic (1 of 4 stars; one submission).

Conditions:
Hereditary angioedema type 1 (HAE1). Identifiers: Orphanet 100050, Orphanet 100051, Orphanet 91378, MedGen C2717906, MONDO:0015053, OMIM 106100.

Submission:

DNA-diagnostics Laboratory, Research Centre For Medical Genetics
Classification: Pathogenic for Hereditary angioedema type 1. Last evaluated: 2024-07-28. Review status: criteria provided, single submitter. Criteria: ACMG Guidelines, 2015. Collection method: research. Allele origin: germline. Inheritance: Autosomal dominant inheritance. Affected: yes. Observed: 2 variant alleles, 2 heterozygotes. Clinical features observed: Angioedema (HP:0100665).
Comment: According to our observation and published information (Martinho et al., 2013), thec.1375G>C variant in SERPING1 meets ACMG/ClinGen SVI guidance criteria to be classified as pathogenic: PS4_Mod, PP3_Mod, PP4_Mod, PM2_Sup, PP1, PP2

Literature cited by the submitters: PubMed 23123409.

NM_000062.3(SERPING1):c.1375G>C (p.Ala459Pro)

Gene: SERPING1 (serpin family G member 1; plus strand). Cytogenetic location: 11q12.1.
Variant type: single nucleotide variant.
Coding change: c.1375G>C on transcript NM_000062.3 (MANE Select); coding-DNA position 1375, G replaced by C.
Protein change: p.Ala459Pro; replaces alanine 459 with proline.
Molecular consequence: missense variant.
Genome position (GRCh38, 1-based): chr11:57,614,453, G>C. VCF-style: chr11-57614453-G-C. GRCh37 (hg19) VCF-style: chr11-57381926-G-C.
Other names: c.1375G>C, p.Ala459Pro (NM_001032295.2); short protein forms A459P.
Identifiers: ClinVar variation 3256136 (VCV003256136.2).